The following is an entry in ClinVar:

NM_001282531.3(ADNP):c.1033C>G (p.Gln345Glu)

Gene: ADNP (activity dependent neuroprotector homeobox; minus strand). Cytogenetic location: 20q13.13.
Variant type: single nucleotide variant.
Coding change: c.1033C>G on transcript NM_001282531.3 (MANE Select); coding-DNA position 1033, C replaced by G.
Protein change: p.Gln345Glu; replaces glutamine 345 with glutamic acid.
Molecular consequence: missense variant.
Genome position (GRCh38, 1-based): chr20:50,893,681, G>C on the plus strand (C>G on the coding strand, the complement: ADNP is on the minus strand). VCF-style: chr20-50893681-G-C. GRCh37 (hg19) VCF-style: chr20-49510218-G-C.
Other names: c.1033C>G, p.Gln345Glu (NM_001282532.2, NM_001347511.2, NM_015339.5 and 1 more transcripts); c.1249C>G, p.Gln417Glu (NM_001439000.1); c.349C>G, p.Gln117Glu (NM_001439001.1); short protein forms Q345E, Q417E, Q117E.
Identifiers: ClinVar variation 4795836 (VCV004795836.1).
Genomic context (GRCh38, chr20:50,893,681, plus strand): 5'-ACTGAGATTGTTGAGGAATGGAAACTGGTGCGTTGCCACCTAGACCCAGTCTCATTGACT[G>C]ACCAACACTGTAACCCTGGCCTACAGATTTGACTCCATAGTTGTTCTGCTGCAGATGAAC-3'
Protein context (NP_001269460.1, residues 335-355): KSVGQGYSVG[Gln345Glu]SMRLGLGGNA

ClinVar aggregate classification (germline): Likely benign (1 of 4 stars; one submission).

Conditions:
ADNP-related multiple congenital anomalies - intellectual disability - autism spectrum disorder. Also called: ADNP-Related Helsmoortel-Van der Aa Syndrome; Helsmoortel-Van der Aa Syndrome. Identifiers: Orphanet 404448, MedGen C4014538, MONDO:0014379, OMIM 615873. Disease mechanism: loss of function.

Submission:

Centre for Medical Genetics,  Mumbai
Classification: Likely benign for ADNP-related multiple congenital anomalies - intellectual disability - autism spectrum disorder. Last evaluated: 2026-02-16. Review status: criteria provided, single submitter. Criteria: ACMG Guidelines, 2015. Collection method: provider interpretation. Allele origin: germline. Inheritance: Autosomal dominant inheritance. Affected: no. Observed: 1 heterozygote.
Comment: The variant satisfies PM2 criteria; Extremely low frequency in gnomAD population databases. However, the variant satisfies BS2 criteria.

Literature cited by the submitters: PubMed 24531329.